The following is an entry in ClinVar:

NM_181458.4(PAX3):c.167G>T (p.Arg56Leu)

Gene: PAX3 (paired box 3; minus strand). Cytogenetic location: 2q36.1.
Variant type: single nucleotide variant.
Coding change: c.167G>T on transcript NM_181458.4 (MANE Select); coding-DNA position 167, G replaced by T.
Protein change: p.Arg56Leu; replaces arginine 56 with leucine.
Molecular consequence: missense variant.
Genome position (GRCh38, 1-based): chr2:222,297,132, C>A on the plus strand (G>T on the coding strand, the complement: PAX3 is on the minus strand). VCF-style: chr2-222297132-C-A. GRCh37 (hg19) VCF-style: chr2-223161851-C-A.
Other names: c.167G>T, p.Arg56Leu (NM_000438.6, NM_001127366.3, NM_013942.5 and 4 more transcripts); short protein forms R56L.
Identifiers: ClinVar variation 4217 (VCV000004217.38), dbSNP rs267606931, ClinGen allele CA253050.
Genomic context (GRCh38, chr2:222,297,132, plus strand): 5'-AGCTGGCGCGAGATGACGCAGGGCCGGATGCCGTGGTGGGCCATCTCCACGATCTTGTGG[C>A]GGATGTGGTTGGGCAGCGGCCTGCCGTTGATAAAAACACCGCCGAGCTGGTTGACGCGGC-3'
Protein context (NP_852123.1, residues 46-66): INGRPLPNHI[Arg56Leu]HKIVEMAHHG

ClinVar aggregate classification (germline): Pathogenic/Likely pathogenic. Review status: criteria provided, multiple submitters, no conflicts (2 of 4 stars). 5 submissions from 5 submitters: Pathogenic (2); Likely pathogenic (2). 1 of the submissions does not count toward it. Last evaluated 2026-07-30.

Conditions:
Monogenic hearing loss.
Waardenburg syndrome. Also called: Waardenburg's syndrome. Identifiers: Orphanet 3440, MedGen C3266898, MONDO:0018094.
Waardenburg syndrome type 1 (WS1). Also called: WAARDENBURG SYNDROME WITH DYSTOPIA CANTHORUM; Waardenburg Syndrome Type I. Identifiers: Orphanet 894, MedGen C1847800, MONDO:0008670, OMIM 193500.

Submissions (5):

Genetics Laboratory, Great Ormond Street Hospital NHS Foundation Trust, North Thames Genomic Laboratory Hub
Classification: Pathogenic for Monogenic hearing loss. Last evaluated: 2026-07-30. Review status: criteria provided, single submitter. Criteria: ACGS Best Practice Guidelines for Variant Classification in Rare Disease 2024 v1.2. Collection method: clinical testing. Allele origin: germline. Affected: yes.
Comment: PS4_moderate, PM2_moderate, PP3_supporting, PS3_supporting, PP2_supporting, PP1_strong

Dasa
Classification: Likely pathogenic for Waardenburg syndrome type 1. Last evaluated: 2025-11-27. Review status: criteria provided, single submitter. Criteria: DASA Assertion Criteria. Collection method: clinical testing. Allele origin: germline.
Comment: NM_181458.4(PAX3):c.167G>T (p.Arg56Leu) is a missense variant that results in the substitution of arginine with leucine. The affected residue or protein region has prior evidence supporting clinical relevance. Segregation data support an association with disease in the reported family/families (PMID: 8447316). This variant has been reported in individuals with PAX3-related disorders (PMID: 8447316). Also, this variant is absent from population databases. Computational evidence supports a deleterious effect. Based on the currently available evidence, this variant is classified as likely pathogenic.

CeGaT Center for Human Genetics Tuebingen
Classification: Pathogenic. Last evaluated: 2021-09-01. Review status: criteria provided, single submitter. Criteria: CeGaT Center For Human Genetics Tuebingen Variant Classification Criteria Version 2. Collection method: clinical testing. Allele origin: germline. Affected: yes. Observed: 1 variant allele.

Department of Otolaryngology – Head & Neck Surgery, Cochlear Implant Center
Classification: Likely pathogenic for Waardenburg syndrome. Last evaluated: 2021-04-12. Review status: criteria provided, single submitter. Criteria: ClinGen HL ACMG Specifications v1. Collection method: clinical testing. Allele origin: germline. Affected: yes.
Comment: PS1_Moderate, PM2_Moderate, PM5_Moderate, PP3_Supporting

OMIM
Classification: Pathogenic for WAARDENBURG SYNDROME, TYPE 1. Last evaluated: 1993-03-01. Review status: no assertion criteria provided. Collection method: literature only. Allele origin: germline. Not counted in ClinVar's aggregate classification.

Literature cited by the submitters: PubMed 32990402 (cited by Dasa); PubMed 8447316 (cited by 3 submitters); PubMed 1308353 (cited by Department of Otolaryngology – Head & Neck Surgery, Cochlear Implant Center and OMIM); PubMed 20301703 (cited by Department of Otolaryngology – Head & Neck Surgery, Cochlear Implant Center); PubMed 24651602 (cited by Department of Otolaryngology – Head & Neck Surgery, Cochlear Implant Center); PubMed 9302254 (cited by Department of Otolaryngology – Head & Neck Surgery, Cochlear Implant Center); PubMed 12414908 (cited by Department of Otolaryngology – Head & Neck Surgery, Cochlear Implant Center).